The following is an entry in ClinVar:

ClinVar aggregate classification (germline): Uncertain significance. Review status: criteria provided, multiple submitters, no conflicts (2 of 4 stars). 3 submissions from 3 submitters: Uncertain significance (3). Last evaluated 2025-10-27.

Allele frequency attached by ClinVar (database versions not stated): TOPMed 0.00002; gnomAD 0.00003 and 0.00005; ExAC 0.00018; 1000 Genomes Project 30x 0.00031; 1000 Genomes Project 0.00040.
gnomAD v4.1: 54 of 1,599,458 alleles (0.0034%); highest among the groups gnomAD compares: South Asian, 0.037%; no homozygotes.

Submissions (3):

Labcorp Genetics (formerly Invitae), Labcorp
Classification: Uncertain significance. Last evaluated: 2025-10-27. Review status: criteria provided, single submitter. Criteria: Invitae Variant Classification Sherloc (09022015). Collection method: clinical testing. Allele origin: germline.
Comment: This sequence change replaces alanine, which is neutral and non-polar, with threonine, which is neutral and polar, at codon 1438 of the MYO7A protein (p.Ala1438Thr). This variant is present in population databases (rs575760892, gnomAD 0.04%). This variant has not been reported in the literature in individuals affected with MYO7A-related conditions. ClinVar contains an entry for this variant (Variation ID: 1434467). Invitae Evidence Modeling of protein sequence and biophysical properties (such as structural, functional, and spatial information, amino acid conservation, physicochemical variation, residue mobility, and thermodynamic stability) has been performed for this missense variant. However, the output from this modeling did not meet the statistical confidence thresholds required to predict the impact of this variant on MYO7A protein function. In summary, the available evidence is currently insufficient to determine the role of this variant in disease. Therefore, it has been classified as a Variant of Uncertain Significance.

GeneDx
Classification: Uncertain significance. Last evaluated: 2025-08-05. Review status: criteria provided, single submitter. Criteria: GeneDx Variant Classification Process June 2021. Collection method: clinical testing. Allele origin: germline. Affected: yes.
Comment: In silico analysis supports that this missense variant has a deleterious effect on protein structure/function; Has not been previously published as pathogenic or benign to our knowledge

Blueprint Genetics
Classification: Uncertain significance. Last evaluated: 2024-09-18. Review status: criteria provided, single submitter. Criteria: ACMG Guidelines, 2015. Collection method: clinical testing. Allele origin: germline.

NM_000260.4(MYO7A):c.4312G>A (p.Ala1438Thr)

Gene: MYO7A (myosin VIIA; plus strand). Cytogenetic location: 11q13.5.
Variant type: single nucleotide variant.
Coding change: c.4312G>A on transcript NM_000260.4 (MANE Select); coding-DNA position 4312, G replaced by A.
Protein change: p.Ala1438Thr; replaces alanine 1438 with threonine.
Molecular consequence: missense variant.
Genome position (GRCh38, 1-based): chr11:77,194,513, G>A. VCF-style: chr11-77194513-G-A. GRCh37 (hg19) VCF-style: chr11-76905558-G-A.
Other names: c.4312G>A (NM_000260.3); c.4312G>A, p.Ala1438Thr (NM_001127180.2); c.4279G>A, p.Ala1427Thr (NM_001369365.1); short protein forms A1438T, A1427T.
Identifiers: ClinVar variation 1434467 (VCV001434467.8), dbSNP rs575760892, ClinGen allele CA6198402.
Genomic context (GRCh38, chr11:77,194,513, plus strand): 5'-CCCGACCGCGAGATCACGCCCCTGAAGACGCTGGAGAAGTGGGCCCAGCTGGCCATCGCC[G>A]CCCACAAGAAGGTAGAAGGGCTGAGAGGAGTCCTAGAGAAGGGATGTGGACCTGAACAAC-3'
Protein context (NP_000251.3, residues 1428-1448): LEKWAQLAIA[Ala1438Thr]HKKGIYAQRR